The following is an entry in ClinVar:

NM_005733.3(KIF20A):c.569G>A (p.Ser190Asn)

Gene: KIF20A (kinesin family member 20A; plus strand). Cytogenetic location: 5q31.2.
Variant type: single nucleotide variant.
Coding change: c.569G>A on transcript NM_005733.3 (MANE Select); coding-DNA position 569, G replaced by A.
Protein change: p.Ser190Asn; replaces serine 190 with asparagine.
Molecular consequence: missense variant.
Genome position (GRCh38, 1-based): chr5:138,182,640, G>A. VCF-style: chr5-138182640-G-A. GRCh37 (hg19) VCF-style: chr5-137518329-G-A.
Other names: short protein forms S190N.
Identifiers: ClinVar variation 2464532 (VCV002464532.6), dbSNP rs200853662, ClinGen allele CA3426349.

ClinVar aggregate classification (germline): Uncertain significance. Review status: criteria provided, multiple submitters, no conflicts (2 of 4 stars). 2 submissions from 2 submitters: Uncertain significance (2). Last evaluated 2025-12-16.

Allele frequency attached by ClinVar (database versions not stated): gnomAD 0.00001.
gnomAD v4.1: 51 of 1,614,030 alleles (0.0032%); highest among the groups gnomAD compares: South Asian, 0.053%; no homozygotes.

Submissions (2):

Ambry Genetics
Classification: Uncertain significance. Last evaluated: 2025-12-16. Review status: criteria provided, single submitter. Criteria: Ambry Variant Classification Scheme 2023. Collection method: clinical testing. Allele origin: germline.

Labcorp Genetics (formerly Invitae), Labcorp
Classification: Uncertain significance. Last evaluated: 2025-05-13. Review status: criteria provided, single submitter. Criteria: Invitae Variant Classification Sherloc (09022015). Collection method: clinical testing. Allele origin: germline.
Comment: This sequence change replaces serine, which is neutral and polar, with asparagine, which is neutral and polar, at codon 190 of the KIF20A protein (p.Ser190Asn). This variant is present in population databases (rs200853662, gnomAD 0.06%), and has an allele count higher than expected for a pathogenic variant. This variant has not been reported in the literature in individuals affected with KIF20A-related conditions. ClinVar contains an entry for this variant (Variation ID: 2464532). An algorithm developed to predict the effect of missense changes on protein structure and function (PolyPhen-2) suggests that this variant is likely to be disruptive. In summary, the available evidence is currently insufficient to determine the role of this variant in disease. Therefore, it has been classified as a Variant of Uncertain Significance.